The following is an entry in ClinVar:

ClinVar aggregate classification (germline): Uncertain significance (1 of 4 stars; one submission).

Conditions:
Hereditary cancer-predisposing syndrome. Also called: Neoplastic Syndromes, Hereditary; Tumor predisposition; Hereditary neoplastic syndrome; Hereditary Cancer Syndrome. Identifiers: Orphanet 140162, MedGen C0027672, MeSH D009386, MONDO:0015356.

Submission:

Ambry Genetics
Classification: Uncertain significance for Hereditary cancer-predisposing syndrome. Last evaluated: 2024-03-12. Review status: criteria provided, single submitter. Criteria: Ambry Variant Classification Scheme 2023. Collection method: clinical testing. Allele origin: germline.
Comment: The p.T393S variant (also known as c.1178C>G), located in coding exon 10 of the TSC1 gene, results from a C to G substitution at nucleotide position 1178. The threonine at codon 393 is replaced by serine, an amino acid with similar properties. This amino acid position is highly conserved in available vertebrate species. In addition, the in silico prediction for this alteration is inconclusive. Based on the available evidence, the clinical significance of this alteration remains unclear.

NM_000368.5(TSC1):c.1178C>G (p.Thr393Ser)

Gene: TSC1 (TSC complex subunit 1; minus strand). Cytogenetic location: 9q34.13.
Variant type: single nucleotide variant.
Coding change: c.1178C>G on transcript NM_000368.5 (MANE Select); coding-DNA position 1178, C replaced by G.
Protein change: p.Thr393Ser; replaces threonine 393 with serine.
Molecular consequence: missense variant. On other transcripts: non-coding transcript variant (5).
Genome position (GRCh38, 1-based): chr9:132,910,656, G>C on the plus strand (C>G on the coding strand, the complement: TSC1 is on the minus strand). VCF-style: chr9-132910656-G-C. GRCh37 (hg19) VCF-style: chr9-135786043-G-C.
Other names: c.1175C>G, p.Thr392Ser (NM_001162426.2, NM_001406597.1, NM_001406598.1 and 6 more transcripts); c.1025C>G, p.Thr342Ser (NM_001162427.2, NM_001406610.1); c.815C>G, p.Thr272Ser (NM_001362177.2, NM_001406614.1, NM_001406615.1 and 5 more transcripts); c.1178C>G, p.Thr393Ser (NM_001406592.1, NM_001406593.1, NM_001406594.1 and 7 more transcripts); c.1022C>G, p.Thr341Ser (NM_001406611.1, NM_001406612.1, NM_001406613.1); c.812C>G, p.Thr271Ser (NM_001406620.1, NM_001406621.1, NM_001406622.1 and 2 more transcripts); c.227C>G, p.Thr76Ser (NM_001406626.1); c.224C>G, p.Thr75Ser (NM_001406627.1, NM_001406628.1); and 1 more; short protein forms T271S, T272S, T341S, T342S, T392S, T393S, T42S, T75S.
Identifiers: ClinVar variation 3231268 (VCV003231268.1), dbSNP rs201452238, ClinGen allele CA375367082.
Genomic context (GRCh38, chr9:132,910,656, plus strand): 5'-TGGGGGAGTGAAATGTGCACGTAGTCATCCGAATGACAGAGTGGGGCTGGAGGAGGAGAG[G>C]TTGCTGGGGTTCCCAGAGGAGTTCCTTTTCCACCTGCTTAGAGACAAGGGCAGAACATAT-3'
Protein context (NP_000359.1, residues 383-403): GKGTPLGTPA[Thr393Ser]SPPPAPLCHS